The following is an entry in ClinVar:

ClinVar aggregate classification (germline): Uncertain significance (1 of 4 stars; one submission).

Submission:

Labcorp Genetics (formerly Invitae), Labcorp
Classification: Uncertain significance. Last evaluated: 2022-11-03. Review status: criteria provided, single submitter. Criteria: Invitae Variant Classification Sherloc (09022015). Collection method: clinical testing. Allele origin: germline.
Comment: This sequence change replaces aspartic acid, which is acidic and polar, with glycine, which is neutral and non-polar, at codon 665 of the TAOK2 protein (p.Asp665Gly). This variant is not present in population databases (gnomAD no frequency). This variant has not been reported in the literature in individuals affected with TAOK2-related conditions. Algorithms developed to predict the effect of missense changes on protein structure and function are either unavailable or do not agree on the potential impact of this missense change (SIFT: "Deleterious"; PolyPhen-2: "Benign"; Align-GVGD: "Class C15"). In summary, the available evidence is currently insufficient to determine the role of this variant in disease. Therefore, it has been classified as a Variant of Uncertain Significance.

NM_016151.4(TAOK2):c.1994A>G (p.Asp665Gly)

Gene: TAOK2 (TAO kinase 2; plus strand). Cytogenetic location: 16p11.2.
Variant type: single nucleotide variant.
Coding change: c.1994A>G on transcript NM_016151.4 (MANE Select); coding-DNA position 1994, A replaced by G.
Protein change: p.Asp665Gly; replaces aspartic acid 665 with glycine.
Molecular consequence: missense variant.
Genome position (GRCh38, 1-based): chr16:29,986,266, A>G. VCF-style: chr16-29986266-A-G. GRCh37 (hg19) VCF-style: chr16-29997587-A-G.
Other names: c.1994A>G, p.Asp665Gly (NM_001252043.2, NM_004783.4); short protein forms D665G.
Identifiers: ClinVar variation 2811800 (VCV002811800.3), dbSNP rs2543658378, ClinGen allele CA395488491.